The following is an entry in ClinVar:

ClinVar aggregate classification (germline): Uncertain significance (1 of 4 stars; one submission).

gnomAD v4.1: 18 of 1,614,114 alleles (0.0011%); highest among the groups gnomAD compares: Non-Finnish European, 0.0015%; no homozygotes.

Submission:

CeGaT Center for Human Genetics Tuebingen
Classification: Uncertain significance. Last evaluated: 2024-07-01. Review status: criteria provided, single submitter. Criteria: CeGaT Center For Human Genetics Tuebingen Variant Classification Criteria Version 2. Collection method: clinical testing. Allele origin: germline. Affected: yes. Observed: 1 variant allele.
Comment: FAT4: PM2

NM_001291303.3(FAT4):c.13432G>T (p.Gly4478Trp)

Gene: FAT4 (FAT atypical cadherin 4; plus strand). Cytogenetic location: 4q28.1.
Variant type: single nucleotide variant.
Coding change: c.13432G>T on transcript NM_001291303.3 (MANE Select); coding-DNA position 13432, G replaced by T.
Protein change: p.Gly4478Trp; replaces glycine 4478 with tryptophan.
Molecular consequence: missense variant.
Genome position (GRCh38, 1-based): chr4:125,490,248, G>T. VCF-style: chr4-125490248-G-T. GRCh37 (hg19) VCF-style: chr4-126411403-G-T.
Other names: c.13429G>T, p.Gly4477Trp (NM_001291285.3); c.13426G>T, p.Gly4476Trp (NM_024582.6); short protein forms G4476W, G4477W, G4478W.
Identifiers: ClinVar variation 3257294 (VCV003257294.17).
Genomic context (GRCh38, chr4:125,490,248, plus strand): 5'-TCGCACACGGGAAGGACCTGTGAGATGGTGGTGGCCTGTCTTGGCGTCCTCTGTCCTCAG[G>T]GGAAGGTGTGCAAAGCTGGAAGTCCTGCGGGGCATGTCTGTGTTCTGAGTCAGGGCCCTG-3'
Protein context (NP_001278232.1, residues 4468-4488): VACLGVLCPQ[Gly4478Trp]KVCKAGSPAG